The following is an entry in ClinVar:

ClinVar aggregate classification (germline): Uncertain significance (1 of 4 stars; one submission).

Conditions:
Short QT syndrome 7 (SQT7). Identifiers: MedGen C5774304, MONDO:0859368, OMIM 620231.

Submission:

Clinical Genomics Laboratory, Washington University in St. Louis
Classification: Uncertain significance for Short QT syndrome 7. Last evaluated: 2026-01-02. Review status: criteria provided, single submitter. Criteria: ACMG Guidelines, 2015. Collection method: clinical testing. Allele origin: germline.
Comment: The SLC4A3 c.1024G>T (p.Ala342Ser) variant, also known as c.1105G>T (p.Ala369Ser) on NM_201574, to our knowledge, has not been reported in the medical literature. This variant is absent from the general population (gnomAD v4.1.0), indicating it is not a common variant. This variant occurs in a conserved motif common to the SLC4 family (Thorsen K et al., PMID: 29167417) and computational predictors indicate that the variant is damaging, evidence that correlates with impact to SLC4A3 function. Additionally, this variant occurs adjacent to a missense variant (c.1109G>A (p.Arg370His) on NM_201574) that segregates with short QT syndrome in a large family (Thorsen K et al., PMID: 29167417). Due to limited information, and based on ACMG/AMP guidelines for variant interpretation (Richards S et al., PMID: 25741868), the clinical significance of this variant is uncertain at this time.

NM_005070.4(SLC4A3):c.1024G>T (p.Ala342Ser)

Gene: SLC4A3 (solute carrier family 4 member 3; plus strand). Cytogenetic location: 2q35.
Variant type: single nucleotide variant.
Coding change: c.1024G>T on transcript NM_005070.4 (MANE Select); coding-DNA position 1024, G replaced by T.
Protein change: p.Ala342Ser; replaces alanine 342 with serine.
Molecular consequence: missense variant. On other transcripts: non-coding transcript variant (1).
Genome position (GRCh38, 1-based): chr2:219,632,325, G>T. VCF-style: chr2-219632325-G-T. GRCh37 (hg19) VCF-style: chr2-220497047-G-T.
Other names: c.1105G>T, p.Ala369Ser (NM_001326559.2, NM_201574.3); c.1024G>T, p.Ala342Ser (NM_001438863.1); c.430G>T, p.Ala144Ser (NM_001438864.1); short protein forms A144S, A342S, A369S.
Identifiers: ClinVar variation 4879557 (VCV004879557.1).